The following is an entry in ClinVar:

ClinVar aggregate classification (germline): Pathogenic (1 of 4 stars; one submission).

Conditions:
Deficiency of malonyl-CoA decarboxylase. Also called: Malonic aciduria; MCD deficiency. Identifiers: Orphanet 943, MedGen C0342793, MONDO:0009556, OMIM 248360.

Submission:

Labcorp Genetics (formerly Invitae), Labcorp
Classification: Pathogenic for Deficiency of malonyl-CoA decarboxylase. Last evaluated: 2023-06-03. Review status: criteria provided, single submitter. Criteria: Invitae Variant Classification Sherloc (09022015). Collection method: clinical testing. Allele origin: germline.
Comment: For these reasons, this variant has been classified as Pathogenic. This variant has not been reported in the literature in individuals affected with MLYCD-related conditions. This variant is not present in population databases (gnomAD no frequency). This sequence change creates a premature translational stop signal (p.Tyr75*) in the MLYCD gene. It is expected to result in an absent or disrupted protein product. Loss-of-function variants in MLYCD are known to be pathogenic (PMID: 12955715, 17186413).

Literature cited by the submitters: PubMed 12955715; PubMed 17186413.

NM_012213.3(MLYCD):c.225C>G (p.Tyr75Ter)

Gene: MLYCD (malonyl-CoA decarboxylase; plus strand). Cytogenetic location: 16q23.3.
Variant type: single nucleotide variant.
Coding change: c.225C>G on transcript NM_012213.3 (MANE Select); coding-DNA position 225, C replaced by G.
Protein change: p.Tyr75Ter; replaces tyrosine 75 with a stop codon.
Molecular consequence: nonsense.
Genome position (GRCh38, 1-based): chr16:83,899,369, C>G. VCF-style: chr16-83899369-C-G. GRCh37 (hg19) VCF-style: chr16-83932974-C-G.
Other names: short protein forms Y75*.
Identifiers: ClinVar variation 2762813 (VCV002762813.3), dbSNP rs528074239, ClinGen allele CA396917901.